The following is an entry in ClinVar:

ClinVar aggregate classification (germline): Uncertain significance. Review status: criteria provided, single submitter (1 of 4 stars). 2 submissions from 2 submitters: Uncertain significance (1). 1 of the submissions does not count toward it. Last evaluated 2019-10-17.

Conditions:
Bilateral lesions of basal ganglia.
Epilepsy. Also called: Seizure disorder. Identifiers: MedGen C0014544, MeSH D004827, MONDO:0005027.
Leigh syndrome (NULS). Also called: Leigh's necrotizing encephalopathy; Leigh's disease; Leigh's syndrome; LEIGH SYNDROME, NUCLEAR; Subacute necrotizing encephalopathy; Necrotizing encephalopathy infantile subacute of Leigh. Identifiers: Orphanet 506, MedGen C2931891, MONDO:0009723, OMIM 256000.

Submissions (2):

Wong Mito Lab, Molecular and Human Genetics, Baylor College of Medicine
Classification: Uncertain significance for Leigh syndrome. Last evaluated: 2019-10-17. Review status: criteria provided, single submitter. Criteria: Modified ACMG Guidelines (Unpublished). Collection method: clinical testing. Allele origin: germline.
Comment: The NC_012920.1:m.15060G>A (YP_003024038.1:p.Gly105Glu) variant in MTCYB gene is interpretated to be a Uncertain Significance variant based on the modified ACMG guidelines (unpublished). This variant meets the following evidence codes: PP7

Center for Neuroscience and Cell Biology, University of Coimbra, Portugal
Classification: Likely pathogenic for Epilepsy; Bilateral lesions of basal ganglia. Last evaluated: 2016-11-21. Review status: no assertion criteria provided. Collection method: clinical testing. Allele origin: unknown. Affected: yes. Observed: 1 variant allele. Not counted in ClinVar's aggregate classification.

Literature cited by the submitters: PubMed 28027978 (cited by Center for Neuroscience and Cell Biology, University of Coimbra, Portugal).

NC_012920.1(MT-CYB):m.15060G>A

Gene: MT-CYB (mitochondrially encoded cytochrome b; plus strand).
Variant type: single nucleotide variant.
Genome position: chrM-15060-G-A.
Identifiers: ClinVar variation 370062 (VCV000370062.3), dbSNP rs1057516072, ClinGen allele CA16040639.
Genomic context (GRCh38, chrMT:15,060, plus strand): 5'-ATGGCGCCTCAATATTCTTTATCTGCCTCTTCCTACACATCGGGCGAGGCCTATATTACG[G>A]ATCATTTCTCTACTCAGAAACCTGAAACATCGGCATTATCCTCCTGCTTGCAACTATAGC-3'